The following is an entry in ClinVar:

ClinVar aggregate classification (germline): Conflicting classifications of pathogenicity. Review status: criteria provided, conflicting classifications (1 of 4 stars). 6 submissions from 6 submitters: Uncertain significance (5); Benign (1). Last evaluated 2025-08-11.

Conditions:
Hereditary cancer-predisposing syndrome. Also called: Tumor predisposition; Neoplastic Syndromes, Hereditary; Hereditary Cancer Syndrome; Hereditary neoplastic syndrome. Identifiers: Orphanet 140162, MedGen C0027672, MeSH D009386, MONDO:0015356.
Isolated focal cortical dysplasia type II (FCORD2). Also called: CORTICAL DYSPLASIA OF TAYLOR; Focal cortical dysplasia type II. Identifiers: Orphanet 268994, MedGen C1846385, MONDO:0011818, OMIM 607341, HP:0032051.
Tuberous sclerosis 1 (TSC1). Identifiers: Orphanet 805, MedGen C1854465, MONDO:0008612, OMIM 191100.

Allele frequency attached by ClinVar (database versions not stated): gnomAD exomes below 0.00001.
gnomAD v4.1: 4 of 1,614,164 alleles (0.00025%); highest among the groups gnomAD compares: Admixed American, 0.0017%; no homozygotes.

Submissions (6):

Labcorp Genetics (formerly Invitae), Labcorp
Classification: Benign for Tuberous sclerosis 1. Last evaluated: 2025-08-11. Review status: criteria provided, single submitter. Criteria: Invitae Variant Classification Sherloc (09022015). Collection method: clinical testing. Allele origin: germline.

Ambry Genetics
Classification: Uncertain significance for Hereditary cancer-predisposing syndrome. Last evaluated: 2024-08-08. Review status: criteria provided, single submitter. Criteria: Ambry Variant Classification Scheme 2023. Collection method: clinical testing. Allele origin: germline.
Comment: The p.H181Y variant (also known as c.541C>T), located in coding exon 5 of the TSC1 gene, results from a C to T substitution at nucleotide position 541. The histidine at codon 181 is replaced by tyrosine, an amino acid with similar properties. This amino acid position is highly conserved in available vertebrate species. In addition, this alteration is predicted to be deleterious by in silico analysis. Based on the available evidence, the clinical significance of this variant remains unclear.

Baylor Genetics
Classification: Uncertain significance for Isolated focal cortical dysplasia type II. Last evaluated: 2024-03-14. Review status: criteria provided, single submitter. Criteria: ACMG Guidelines, 2015. Collection method: clinical testing. Allele origin: unknown.

Sema4
Classification: Uncertain significance for Hereditary cancer-predisposing syndrome. Last evaluated: 2021-12-23. Review status: criteria provided, single submitter. Criteria: Sema4 Curation Guidelines. Collection method: curation. Allele origin: germline.
Comment: The TSC1 c.541C>T (p.H181Y) variant has not been reported in the literature to our knowledge. It was not observed in the large and broad cohorts of the Genome Aggregation Database (PMID: 32461654), but has been reported in ClinVar (Variation ID 392899). Functional studies have not been performed, and in silico predictions of the variant's effect on protein function are inconclusive. The evidence is insufficient to meet ACMG/AMP criteria for classifying the variant as benign or pathogenic. Thus, the clinical significance of this variant is currently uncertain.

Genome-Nilou Lab
Classification: Uncertain significance for Tuberous sclerosis 1. Last evaluated: 2021-11-07. Review status: criteria provided, single submitter. Criteria: ACMG Guidelines, 2015. Collection method: clinical testing. Allele origin: germline. Affected: no.

GeneDx
Classification: Uncertain significance. Last evaluated: 2017-01-19. Review status: criteria provided, single submitter. Criteria: GeneDx Variant Classification (06012015). Collection method: clinical testing. Allele origin: germline. Affected: yes.
Comment: The H181Y variant has not been published as a pathogenic variant, nor has it been reported as a benign variant to our knowledge. The H181Y variant is not observed in large population cohorts (Lek et al., 2016; 1000 Genomes Consortium et al., 2015; Exome Variant Server). The H181Y variant is a non-conservative amino acid substitution that occurs at a position that is conserved across species, and in silico analysis predicts this variant is probably damaging to the protein structure/function. A different amino acid substitution at the same position (H181P) was previously identified in a patient with clinical features of tuberous sclerosis, but functional studies and segregation analysis were not performed (Niida et al., 2013). Therefore, based on the currently available information, it is unclear whether the H181Y variant is a pathogenic variant or a rare benign variant.

NM_000368.5(TSC1):c.541C>T (p.His181Tyr)

Gene: TSC1 (TSC complex subunit 1; minus strand). Cytogenetic location: 9q34.13.
Variant type: single nucleotide variant.
Coding change: c.541C>T on transcript NM_000368.5 (MANE Select); coding-DNA position 541, C replaced by T.
Protein change: p.His181Tyr; replaces histidine 181 with tyrosine.
Molecular consequence: missense variant.
Genome position (GRCh38, 1-based): chr9:132,921,941, G>A on the plus strand (C>T on the coding strand, the complement: TSC1 is on the minus strand). VCF-style: chr9-132921941-G-A. GRCh37 (hg19) VCF-style: chr9-135797328-G-A.
Other names: c.541C>T, p.His181Tyr (NM_001162426.2); c.388C>T, p.His130Tyr (NM_001162427.2); c.178C>T, p.His60Tyr (NM_001362177.2); short protein forms H181Y, H130Y, H60Y.
Identifiers: ClinVar variation 392899 (VCV000392899.19), dbSNP rs1057524690, ClinGen allele CA16606318.
Genomic context (GRCh38, chr9:132,921,941, plus strand): 5'-AGACGAAGTTGCAAGGGTACATTCCATAAAGGCGATGAAAGAGTGCGTACACACTGGCAT[G>A]GAGATGGACGAGATAGACTTCCGCCACGTGGCCTAGAAAAGGAACCCGTTGAGAAGAGCC-3'
Protein context (NP_000359.1, residues 171-191): HVAEVYLVHL[His181Tyr]ASVYALFHRL